The following is an entry in ClinVar:

NM_001375808.2(LPIN2):c.1838T>G (p.Leu613Arg)

Gene: LPIN2 (lipin 2; minus strand). Cytogenetic location: 18p11.31.
Variant type: single nucleotide variant.
Coding change: c.1838T>G on transcript NM_001375808.2 (MANE Select); coding-DNA position 1838, T replaced by G.
Protein change: p.Leu613Arg; replaces leucine 613 with arginine.
Molecular consequence: missense variant.
Genome position (GRCh38, 1-based): chr18:2,925,324, A>C on the plus strand (T>G on the coding strand, the complement: LPIN2 is on the minus strand). VCF-style: chr18-2925324-A-C. GRCh37 (hg19) VCF-style: chr18-2925322-A-C.
Other names: c.1838T>G, p.Leu613Arg (NM_001375809.1, NM_014646.2); short protein forms L613R.
Identifiers: ClinVar variation 2505254 (VCV002505254.1), dbSNP rs2510246167, ClinGen allele CA401701996.
Genomic context (GRCh38, chr18:2,925,324, plus strand): 5'-GTTGTGCTGCCGTGGCTCAGGGGCTCTGTGGGGATGGGGTCCACTGTGATGGATTCTTCG[A>C]GCTCCTGTGATCCCTCGTCACTCGAGGAGTCATTCTCGGCCGGCCTGTTCAACATTAGCC-3'
Protein context (NP_001362737.1, residues 603-623): DSSSDEGSQE[Leu613Arg]EESITVDPIP

ClinVar aggregate classification (germline): Uncertain significance (1 of 4 stars; one submission).

Submission:

Greenwood Genetic Center Diagnostic Laboratories, Greenwood Genetic Center
Classification: Uncertain significance. Last evaluated: 2023-01-31. Review status: criteria provided, single submitter. Criteria: ACMG Guidelines, 2015. Collection method: clinical testing. Allele origin: germline. Affected: yes.
Comment: Gene of Uncertain Significance